The following is an entry in ClinVar:

ClinVar aggregate classification (germline): Benign/Likely benign. Review status: criteria provided, multiple submitters, no conflicts (2 of 4 stars). 12 submissions from 12 submitters: Benign (6); Likely benign (3). 3 of the submissions do not count toward it. Last evaluated 2026-02-03.

Conditions:
Spastic paraplegia. Identifiers: MedGen C0037772, HP:0001258.
Hereditary spastic paraplegia. Also called: Familial spastic paraparesis. Identifiers: Orphanet 685, MedGen C0037773, MONDO:0019064. Disease mechanism: loss of function.
Hereditary spastic paraplegia 10 (SPG10). Also called: SPASTIC PARAPLEGIA 10, AUTOSOMAL DOMINANT; SPASTIC PARAPLEGIA 10 WITH PERIPHERAL NEUROPATHY; SPASTIC PARAPLEGIA 10 WITH OR WITHOUT PERIPHERAL NEUROPATHY. Identifiers: Orphanet 100991, MedGen C1858712, MONDO:0011408, OMIM 604187.

Allele frequency attached by ClinVar (database versions not stated): 1000 Genomes Project 0.00100; 1000 Genomes Project 30x 0.00109; gnomAD exomes 0.00180 and 0.00328; ExAC 0.00182; gnomAD 0.00216 and 0.00222; ESP Exome Variant Server 0.00254; TOPMed 0.00267.
gnomAD v4.1: 5,096 of 1,612,688 alleles (0.32%); highest among the groups gnomAD compares: Non-Finnish European, 0.4%; 12 homozygotes.

Submissions (12):

Labcorp Genetics (formerly Invitae), Labcorp
Classification: Benign for Spastic paraplegia. Last evaluated: 2026-02-03. Review status: criteria provided, single submitter. Criteria: Invitae Variant Classification Sherloc (09022015). Collection method: clinical testing. Allele origin: germline.

Blueprint Genetics
Classification: Likely benign. Last evaluated: 2024-11-22. Review status: criteria provided, single submitter. Criteria: ACMG Guidelines, 2015. Collection method: clinical testing. Allele origin: germline.

Athena Diagnostics
Classification: Benign. Last evaluated: 2024-05-14. Review status: criteria provided, single submitter. Criteria: Athena Diagnostics Criteria. Collection method: clinical testing. Allele origin: unknown.

Mayo Clinic Laboratories, Mayo Clinic
Classification: Benign. Last evaluated: 2021-09-30. Review status: criteria provided, single submitter. Criteria: ACMG Guidelines, 2015. Collection method: clinical testing. Allele origin: germline. Observed: 25 variant alleles.

Genome Diagnostics Laboratory, The Hospital for Sick Children
Classification: Benign for Hereditary spastic paraplegia. Last evaluated: 2021-04-07. Review status: criteria provided, single submitter. Criteria: ACMG Guidelines, 2015. Collection method: clinical testing. Allele origin: germline. Affected: yes.

ARUP Laboratories, Molecular Genetics and Genomics, ARUP Laboratories
Classification: Benign. Last evaluated: 2019-11-11. Review status: criteria provided, single submitter. Criteria: ARUP Molecular Germline Variant Investigation Process. Collection method: clinical testing. Allele origin: germline.

Illumina Laboratory Services, Illumina
Classification: Benign for Hereditary spastic paraplegia 10. Last evaluated: 2018-01-13. Review status: criteria provided, single submitter. Criteria: ICSL Variant Classification Criteria 13 December 2019. Collection method: clinical testing. Allele origin: germline.
Comment: This variant was observed in the ICSL laboratory as part of a predisposition screen in an ostensibly healthy population. It had not been previously curated by ICSL or reported in the Human Gene Mutation Database (HGMD: prior to June 1st, 2018), and was therefore a candidate for classification through an automated scoring system. Utilizing variant allele frequency, disease prevalence and penetrance estimates, and inheritance mode, an automated score was calculated to assess if this variant is too frequent to cause the disease. Based on the score and internal cut-off values, a variant classified as benign is not then subjected to further curation. The score for this variant resulted in a classification of benign for this disease.

GeneDx
Classification: Likely benign. Last evaluated: 2017-06-01. Review status: criteria provided, single submitter. Criteria: GeneDx Variant Classification (06012015). Collection method: clinical testing. Allele origin: germline. Affected: yes.
Comment: This variant is considered likely benign or benign based on one or more of the following criteria: it is a conservative change, it occurs at a poorly conserved position in the protein, it is predicted to be benign by multiple in silico algorithms, and/or has population frequency not consistent with disease.

Eurofins Ntd Llc (ga)
Classification: Likely benign. Last evaluated: 2015-03-04. Review status: criteria provided, single submitter. Criteria: EGL Classification Definitions 2015. Collection method: clinical testing. Allele origin: germline. Observed: 1 variant allele, 1 heterozygote.

Clinical Genetics DNA and cytogenetics Diagnostics Lab, Erasmus MC, Erasmus Medical Center
Classification: Likely benign. Review status: no assertion criteria provided. Collection method: clinical testing. Allele origin: germline. Affected: yes. Study: VKGL Data-share Consensus. Not counted in ClinVar's aggregate classification.

Clinical Genetics, Academic Medical Center
Classification: Benign. Review status: no assertion criteria provided. Collection method: clinical testing. Allele origin: germline. Affected: yes. Study: VKGL Data-share Consensus. Not counted in ClinVar's aggregate classification.

Genome Diagnostics Laboratory, University Medical Center Utrecht
Classification: Likely benign. Review status: no assertion criteria provided. Collection method: clinical testing. Allele origin: germline. Affected: yes. Study: VKGL Data-share Consensus. Not counted in ClinVar's aggregate classification.

NM_004984.4(KIF5A):c.1293+9G>A

Gene: KIF5A (kinesin family member 5A; plus strand). Cytogenetic location: 12q13.3.
Variant type: single nucleotide variant.
Coding change: c.1293+9G>A on transcript NM_004984.4 (MANE Select); 9 bases into the intron after coding-DNA position 1293, G replaced by A.
Molecular consequence: intron variant.
Genome position (GRCh38, 1-based): chr12:57,570,171, G>A. VCF-style: chr12-57570171-G-A. GRCh37 (hg19) VCF-style: chr12-57963954-G-A.
Other names: p.?; c.1026+9G>A (NM_001354705.2).
Identifiers: ClinVar variation 194061 (VCV000194061.34), dbSNP rs201749114, ClinGen allele CA200944.
Genomic context (GRCh38, chr12:57,570,171, plus strand): 5'-GCAGAAATACGAGGAGGAGATCCGCCGTCTCTATAAGCAGCTTGACGACAAGGTGAGGGC[G>A]GCCAGGCAGGGCACTGAGGCACGCCAGGTGGGATGAGAGGTAGACGATCAAAGAAAATCG-3'